The following is an entry in ClinVar:

NM_201384.3(PLEC):c.895A>T (p.Thr299Ser)

Gene: PLEC (plectin; minus strand). Cytogenetic location: 8q24.3.
Variant type: single nucleotide variant.
Coding change: c.895A>T on transcript NM_201384.3 (MANE Select); coding-DNA position 895, A replaced by T.
Protein change: p.Thr299Ser; replaces threonine 299 with serine.
Molecular consequence: missense variant.
Genome position (GRCh38, 1-based): chr8:143,934,860, T>A on the plus strand (A>T on the coding strand, the complement: PLEC is on the minus strand). VCF-style: chr8-143934860-T-A. GRCh37 (hg19) VCF-style: chr8-145009028-T-A.
Other names: c.976A>T, p.Thr326Ser (NM_000445.5, NM_001410941.1); c.853A>T, p.Thr285Ser (NM_201378.4); c.829A>T, p.Thr277Ser (NM_201379.3); c.1306A>T, p.Thr436Ser (NM_201380.4); c.799A>T, p.Thr267Ser (NM_201381.3); c.895A>T, p.Thr299Ser (NM_201382.4); c.907A>T, p.Thr303Ser (NM_201383.3); short protein forms T267S, T277S, T285S, T299S, T303S, T326S, T436S.
Identifiers: ClinVar variation 3749318 (VCV003749318.3).

ClinVar aggregate classification (germline): Uncertain significance. Review status: criteria provided, multiple submitters, no conflicts (2 of 4 stars). 2 submissions from 2 submitters: Uncertain significance (2). Last evaluated 2025-01-15.

Conditions:
Epidermolysis bullosa simplex with nail dystrophy (EBS5D). Identifiers: MedGen C4225309, MONDO:0014661, OMIM 616487.
Autosomal recessive limb-girdle muscular dystrophy type 2Q (LGMDR17). Also called: MUSCULAR DYSTROPHY, LIMB-GIRDLE, AUTOSOMAL RECESSIVE 17. Identifiers: Orphanet 254361, MedGen C3150989, MONDO:0013390, OMIM 613723.
Epidermolysis bullosa simplex 5B, with muscular dystrophy (EBS5B). Also called: Epidermolysis bullosa simplex with muscular dystrophy; EPIDERMOLYSIS BULLOSA SIMPLEX AND LIMB-GIRDLE MUSCULAR DYSTROPHY. Identifiers: Orphanet 257, MedGen C2931072, MONDO:0009181, OMIM 226670.
Epidermolysis bullosa simplex 5C, with pyloric atresia (EBS5C). Also called: PLEC-Related Epidermolysis Bullosa with Pyloric Atresia; Epidermolysis bullosa simplex with pyloric atresia; PLEC1-Related Epidermolysis Bullosa with Pyloric Atresia. Identifiers: Orphanet 158684, MedGen C2677349, MONDO:0012807, OMIM 612138.
Epidermolysis bullosa simplex, Ogna type (EBS5A). Also called: Pidermolysis bullosa simplex 5A, Ogna type; EPIDERMOLYSIS BULLOSA SIMPLEX 5A, OGNA TYPE. Identifiers: Orphanet 79401, MedGen C0432317, MONDO:0007555, OMIM 131950.

gnomAD v4.1: 30 of 1,611,420 alleles (0.0019%); highest among the groups gnomAD compares: Non-Finnish European, 0.0025%; no homozygotes.

Submissions (2):

Revvity Omics, Revvity
Classification: Uncertain significance. Last evaluated: 2025-01-15. Review status: criteria provided, single submitter. Criteria: ACMG Guidelines, 2015. Collection method: clinical testing. Allele origin: germline.

Labcorp Genetics (formerly Invitae), Labcorp
Classification: Uncertain significance for Autosomal recessive limb-girdle muscular dystrophy type 2Q; Epidermolysis bullosa simplex, Ogna type; Epidermolysis bullosa simplex with nail dystrophy; Epidermolysis bullosa simplex 5C, with pyloric atresia; Epidermolysis bullosa simplex 5B, with muscular dystrophy. Last evaluated: 2024-03-20. Review status: criteria provided, single submitter. Criteria: Invitae Variant Classification Sherloc (09022015). Collection method: clinical testing. Allele origin: germline.
Comment: This sequence change replaces threonine, which is neutral and polar, with serine, which is neutral and polar, at codon 326 of the PLEC protein (p.Thr326Ser). This variant is present in population databases (rs782292855, gnomAD 0.002%). This variant has not been reported in the literature in individuals affected with PLEC-related conditions. Experimental studies and prediction algorithms are not available or were not evaluated, and the functional significance of this variant is currently unknown. In summary, the available evidence is currently insufficient to determine the role of this variant in disease. Therefore, it has been classified as a Variant of Uncertain Significance.